The following is an entry in ClinVar:

ClinVar aggregate classification (germline): Uncertain significance. Review status: criteria provided, multiple submitters, no conflicts (2 of 4 stars). 2 submissions from 2 submitters: Uncertain significance (2). Last evaluated 2022-02-27.

Conditions:
Joubert syndrome. Also called: CEREBELLOPARENCHYMAL DISORDER IV; JOUBERT-BOLTSHAUSER SYNDROME; Familial aplasia of the vermis. Identifiers: Orphanet 475, MedGen C5979921, MONDO:0018772.

Allele frequency attached by ClinVar (database versions not stated): gnomAD exomes below 0.00001; gnomAD 0.00001.
gnomAD v4.1: 2 of 1,609,070 alleles (0.00012%); highest among the groups gnomAD compares: Admixed American, 0.0017%; no homozygotes.

Submissions (2):

Labcorp Genetics (formerly Invitae), Labcorp
Classification: Uncertain significance for Joubert syndrome. Last evaluated: 2022-02-27. Review status: criteria provided, single submitter. Criteria: Invitae Variant Classification Sherloc (09022015). Collection method: clinical testing. Allele origin: germline.
Comment: This sequence change affects codon 860 of the AHI1 mRNA. It is a 'silent' change, meaning that it does not change the encoded amino acid sequence of the AHI1 protein. This variant is present in population databases (no rsID available, gnomAD 0.004%). This variant has not been reported in the literature in individuals affected with AHI1-related conditions. ClinVar contains an entry for this variant (Variation ID: 1308698). Algorithms developed to predict the effect of sequence changes on RNA splicing suggest that this variant may disrupt the consensus splice site. In summary, the available evidence is currently insufficient to determine the role of this variant in disease. Therefore, it has been classified as a Variant of Uncertain Significance.

GeneDx
Classification: Uncertain significance. Last evaluated: 2019-10-04. Review status: criteria provided, single submitter. Criteria: GeneDx Variant Classification Process June 2021. Collection method: clinical testing. Allele origin: germline. Affected: yes.
Comment: In silico analysis, which includes splice predictors and evolutionary conservation, supports a deleterious effect; Has not been previously published as pathogenic or benign to our knowledge

NM_001134831.2(AHI1):c.2580T>A (p.Ala860=)

Gene: AHI1 (Abelson helper integration site 1; minus strand). Cytogenetic location: 6q23.3.
Variant type: single nucleotide variant.
Coding change: c.2580T>A on transcript NM_001134831.2 (MANE Select); coding-DNA position 2580, T replaced by A.
Protein change: p.Ala860=; no amino-acid change (alanine 860 retained).
Molecular consequence: synonymous variant.
Genome position (GRCh38, 1-based): chr6:135,428,672, A>T on the plus strand (T>A on the coding strand, the complement: AHI1 is on the minus strand). VCF-style: chr6-135428672-A-T. GRCh37 (hg19) VCF-style: chr6-135749810-A-T.
Other names: c.2580T>A, p.Ala860= (NM_001134830.2, NM_001134832.2, NM_001350503.2 and 2 more transcripts).
Identifiers: ClinVar variation 1308698 (VCV001308698.4), dbSNP rs1185759126, ClinGen allele CA452211695.